The following is an entry in ClinVar:

ClinVar aggregate classification (germline): Uncertain significance (1 of 4 stars; one submission).

Conditions:
Hereditary breast ovarian cancer syndrome. Also called: Hereditary breast and ovarian cancer; Hereditary breast and ovarian cancer syndrome (HBOC); Breast and ovarian cancer; Hereditary breast and/or ovarian cancer syndrome; BRCA1- and BRCA2-Associated Hereditary Breast and Ovarian Cancer; Hereditary breast and ovarian cancer syndrome. Identifiers: Orphanet 145, MedGen C0677776, MeSH D061325, MONDO:0003582. Disease mechanism: loss of function.

Allele frequency attached by ClinVar (database versions not stated): gnomAD exomes below 0.00001.
gnomAD v4.1: 2 of 1,609,976 alleles (0.00012%); highest among the groups gnomAD compares: African/African-American, 0.0027%; no homozygotes.

Submissions (2):

Labcorp Genetics (formerly Invitae), Labcorp
Classification: Uncertain significance for Hereditary breast ovarian cancer syndrome. Last evaluated: 2024-12-16. Review status: criteria provided, single submitter. Criteria: Invitae Variant Classification Sherloc (09022015). Collection method: clinical testing. Allele origin: germline.
Comment: This sequence change replaces leucine, which is neutral and non-polar, with valine, which is neutral and non-polar, at codon 1729 of the BRCA1 protein (p.Leu1729Val). This variant is not present in population databases (gnomAD no frequency). This variant has not been reported in the literature in individuals affected with BRCA1-related conditions. ClinVar contains an entry for this variant (Variation ID: 868120). Invitae Evidence Modeling incorporating data from in vitro experimental studies (PMID: 30209399) indicates that this missense variant is not expected to disrupt BRCA1 function with a negative predictive value of 95%. In summary, the available evidence is currently insufficient to determine the role of this variant in disease. Therefore, it has been classified as a Variant of Uncertain Significance.

Brotman Baty Institute, University of Washington
No classification provided (evidence only). Condition: Breast-ovarian cancer, familial 1. Review status: no classification provided. Collection method: in vitro. Allele origin: not applicable. Functional consequence: functionally_normal. Not counted in ClinVar's aggregate classification.
ClinVar note: "not provided" was previously submitted as the classification for the variant. However, the classification appeared to be based only on an observation of functional data so it was converted to no classification on 2025-07-30.

Literature cited by the submitters: PubMed 30209399 (cited by Labcorp Genetics (formerly Invitae), Labcorp).

NM_007294.4(BRCA1):c.5185C>G (p.Leu1729Val)

Gene: BRCA1 (BRCA1 DNA repair associated; minus strand). Cytogenetic location: 17q21.31.
Variant type: single nucleotide variant.
Coding change: c.5185C>G on transcript NM_007294.4 (MANE Select); coding-DNA position 5185, C replaced by G.
Protein change: p.Leu1729Val; replaces leucine 1729 with valine.
Molecular consequence: missense variant. On other transcripts: non-coding transcript variant (1).
Genome position (GRCh38, 1-based): chr17:43,063,341, G>C on the plus strand (C>G on the coding strand, the complement: BRCA1 is on the minus strand). VCF-style: chr17-43063341-G-C. GRCh37 (hg19) VCF-style: chr17-41215358-G-C.
Other names: c.5248C>G, p.Leu1750Val (NM_001407583.1, NM_001407585.1, NM_001407587.1 and 1 more transcripts); c.5182C>G, p.Leu1728Val (NM_001407610.1, NM_001407611.1, NM_001407612.1 and 17 more transcripts); c.5179C>G, p.Leu1727Val (NM_001407629.1, NM_001407630.1, NM_001407631.1 and 14 more transcripts); c.5125C>G, p.Leu1709Val (NM_001407649.1); c.5107C>G, p.Leu1703Val (NM_001407652.1, NM_001407653.1, NM_001407654.1 and 1 more transcripts); c.5104C>G, p.Leu1702Val (NM_001407656.1, NM_001407657.1, NM_001407658.1); c.5101C>G, p.Leu1701Val (NM_001407659.1, NM_001407660.1, NM_001407661.1 and 2 more transcripts); c.5059C>G, p.Leu1687Val (NM_001407670.1, NM_001407671.1, NM_001407672.1 and 10 more transcripts); and 72 more; short protein forms L1750V, L625V, L1682V, L1729V, L1618V, L1660V, L1661V, L1680V.
Identifiers: ClinVar variation 868120 (VCV000868120.6), dbSNP rs1207677103, ClinGen allele CA10591170.